The following is an entry in ClinVar:

NM_000059.4(BRCA2):c.2618T>G (p.Ile873Arg)

Gene: BRCA2 (BRCA2 DNA repair associated; plus strand). Cytogenetic location: 13q13.1.
Variant type: single nucleotide variant.
Coding change: c.2618T>G on transcript NM_000059.4 (MANE Select); coding-DNA position 2618, T replaced by G.
Protein change: p.Ile873Arg; replaces isoleucine 873 with arginine.
Molecular consequence: missense variant. On other transcripts: non-coding transcript variant (1), intron variant (2).
Genome position (GRCh38, 1-based): chr13:32,336,973, T>G. VCF-style: chr13-32336973-T-G. GRCh37 (hg19) VCF-style: chr13-32911110-T-G.
Other names: c.2618T>G, p.Ile873Arg (NM_001406719.1, NM_001406720.1); c.1909+3586T>G (NM_001406721.1); c.424+5943T>G (NM_001406722.1); short protein forms I873R.
Identifiers: ClinVar variation 3261561 (VCV003261561.1).

ClinVar aggregate classification (germline): Uncertain significance (1 of 4 stars; one submission).

Conditions:
Hereditary cancer-predisposing syndrome. Also called: Hereditary Cancer Syndrome; Tumor predisposition; Hereditary neoplastic syndrome; Neoplastic Syndromes, Hereditary. Identifiers: Orphanet 140162, MedGen C0027672, MeSH D009386, MONDO:0015356.

Submission:

Ambry Genetics
Classification: Uncertain significance for Hereditary cancer-predisposing syndrome. Last evaluated: 2024-03-19. Review status: criteria provided, single submitter. Criteria: Ambry Variant Classification Scheme 2023. Collection method: clinical testing. Allele origin: germline.
Comment: The p.I873R variant (also known as c.2618T>G), located in coding exon 10 of the BRCA2 gene, results from a T to G substitution at nucleotide position 2618. The isoleucine at codon 873 is replaced by arginine, an amino acid with similar properties. This amino acid position is conserved. In addition, this alteration is predicted to be tolerated by in silico analysis. Based on the available evidence, the clinical significance of this alteration remains unclear.